The following is an entry in ClinVar:

ClinVar aggregate classification (germline): Uncertain significance (1 of 4 stars; one submission).

Submission:

Labcorp Genetics (formerly Invitae), Labcorp
Classification: Uncertain significance. Last evaluated: 2023-09-06. Review status: criteria provided, single submitter. Criteria: Invitae Variant Classification Sherloc (09022015). Collection method: clinical testing. Allele origin: germline.
Comment: This sequence change creates a premature translational stop signal (p.Arg177Glufs*50) in the ALPK3 gene. It is unclear whether it will result in an absent or disrupted protein product because an in-frame methionine located at codon 203 has the potential to rescue this truncating variant. This variant is not present in population databases (gnomAD no frequency). This variant has not been reported in the literature in individuals affected with ALPK3-related conditions. Experimental studies and prediction algorithms are not available or were not evaluated, and the functional significance of this variant is currently unknown. In summary, the available evidence is currently insufficient to determine the role of this variant in disease. Therefore, it has been classified as a Variant of Uncertain Significance.

NM_020778.5(ALPK3):c.-79_-78insG

Gene: ALPK3 (alpha kinase 3; plus strand). Cytogenetic location: 15q25.3.
Variant type: Insertion.
Coding change: c.-79_-78insG on transcript NM_020778.5 (MANE Select); 79 bases upstream of the start codon through 78 bases upstream of the start codon, G inserted.
Molecular consequence: 5 prime UTR variant.
Genome position: GRCh38 VCF-style: chr15-84817374-C-CG. GRCh37 (hg19) VCF-style: chr15-85360605-C-CG.
Identifiers: ClinVar variation 2758384 (VCV002758384.3), dbSNP rs2505688915, ClinGen allele CA2697549268.